The following is an entry in ClinVar:

ClinVar aggregate classification (germline): Likely benign. Review status: criteria provided, multiple submitters, no conflicts (2 of 4 stars). 2 submissions from 2 submitters: Likely benign (2). Last evaluated 2024-10-14.

Conditions:
ADAMTSL4-related disorder. Also called: ADAMTSL4-related condition; ADAMTSL4-Related Disorders.

Allele frequency attached by ClinVar (database versions not stated): ExAC 0.00002; gnomAD exomes 0.00003; 1000 Genomes Project 30x 0.00016; TOPMed 0.00017; gnomAD 0.00019 and 0.00021; 1000 Genomes Project 0.00020; ESP Exome Variant Server 0.00023.
gnomAD v4.1: 51 of 1,612,910 alleles (0.0032%); highest among the groups gnomAD compares: African/African-American, 0.064%; no homozygotes.

Submissions (2):

PreventionGenetics, part of Exact Sciences
Classification: Likely benign for ADAMTSL4-related condition. Last evaluated: 2024-10-14. Review status: criteria provided, single submitter. Criteria: ACMG Guidelines, 2015. Collection method: clinical testing. Allele origin: germline.
Comment: This variant is classified as likely benign based on ACMG/AMP sequence variant interpretation guidelines (Richards et al. 2015 PMID: 25741868, with internal and published modifications).

Labcorp Genetics (formerly Invitae), Labcorp
Classification: Likely benign. Last evaluated: 2024-09-18. Review status: criteria provided, single submitter. Criteria: Invitae Variant Classification Sherloc (09022015). Collection method: clinical testing. Allele origin: germline.

NM_019032.6(ADAMTSL4):c.2712C>T (p.Ser904=)

Gene: ADAMTSL4 (ADAMTS like 4; plus strand). Cytogenetic location: 1q21.2.
Variant type: single nucleotide variant.
Coding change: c.2712C>T on transcript NM_019032.6 (MANE Select); coding-DNA position 2712, C replaced by T.
Protein change: p.Ser904=; no amino-acid change (serine 904 retained).
Molecular consequence: synonymous variant.
Genome position (GRCh38, 1-based): chr1:150,559,114, C>T. VCF-style: chr1-150559114-C-T. GRCh37 (hg19) VCF-style: chr1-150531590-C-T.
Other names: c.2712C>T (NM_019032.5); c.2595C>T, p.Ser865= (NM_001288607.2); c.2781C>T, p.Ser927= (NM_001288608.2); c.2712C>T, p.Ser904= (NM_001378596.1).
Identifiers: ClinVar variation 1456473 (VCV001456473.9), dbSNP rs368857827, ClinGen allele CA1078814.